The following is an entry in ClinVar:

NM_006642.5(SDCCAG8):c.1120C>T (p.Arg374Ter)

Gene: SDCCAG8 (SHH signaling and ciliogenesis regulator SDCCAG8; plus strand). Cytogenetic location: 1q43.
Variant type: single nucleotide variant.
Coding change: c.1120C>T on transcript NM_006642.5 (MANE Select); coding-DNA position 1120, C replaced by T.
Protein change: p.Arg374Ter; replaces arginine 374 with a stop codon.
Molecular consequence: nonsense.
Genome position (GRCh38, 1-based): chr1:243,330,591, C>T. VCF-style: chr1-243330591-C-T. GRCh37 (hg19) VCF-style: chr1-243493893-C-T.
Other names: c.217C>T, p.Arg73Ter (NM_001350246.2, NM_001350247.2, NM_001350251.2); c.1216C>T, p.Arg406Ter (NM_001350248.2); c.826C>T, p.Arg276Ter (NM_001350249.2); c.1120C>T (NM_006642.3); short protein forms R374*, R276*, R73*, R406*.
Identifiers: ClinVar variation 635017 (VCV000635017.5), dbSNP rs770084716, ClinGen allele CA345482584.

ClinVar aggregate classification (germline): Pathogenic/Likely pathogenic. Review status: criteria provided, multiple submitters, no conflicts (2 of 4 stars). 4 submissions from 4 submitters: Pathogenic (3); Likely pathogenic (1). Last evaluated 2026-09-23.

Conditions:
Senior-Loken syndrome 7 (SLSN7). Identifiers: Orphanet 3156, MedGen C3150877, MONDO:0013326, OMIM 613615.
Bardet-Biedl syndrome 16 (BBS16). Identifiers: Orphanet 110, MedGen C3889474, MONDO:0014444, OMIM 615993.
SDCCAG8-related disorder. Also called: SDCCAG8-related condition; SDCCAG8-Related Disorders.

Allele frequency attached by ClinVar (database versions not stated): gnomAD exomes below 0.00001.
gnomAD v4.1: 4 of 1,613,446 alleles (0.00025%); highest among the groups gnomAD compares: East Asian, 0.0022%; no homozygotes.

Submissions (4):

PreventionGenetics, part of Exact Sciences
Classification: Pathogenic for SDCCAG8-related condition. Last evaluated: 2026-09-23. Review status: criteria provided, single submitter. Criteria: ACMG Guidelines, 2015. Collection method: clinical testing. Allele origin: germline.
Comment: The SDCCAG8 c.1120C>T variant is predicted to result in premature protein termination (p.Arg374*). This variant has been reported in the homozygous state in at least two individuals with Bardet-Biedl syndrome 16 (Table 1, Schaefer et al. 2010. PubMed ID: 22190896; Table 2, Meyer et al. 2022. PubMed ID: 35112343; Table S3, Han et al. 2025. PubMed ID: 39843441). This variant is reported in 0.0055% of alleles in individuals of East Asian descent in gnomAD. Nonsense variants in SDCCAG8 are expected to be pathogenic. This variant is interpreted as pathogenic.

Fulgent Genetics
Classification: Pathogenic for Senior-Loken syndrome 7; Bardet-Biedl syndrome 16. Last evaluated: 2024-06-10. Review status: criteria provided, single submitter. Criteria: ACMG Guidelines, 2015. Collection method: clinical testing. Allele origin: germline.

3billion
Classification: Pathogenic for Bardet-Biedl syndrome 16. Last evaluated: 2022-05-22. Review status: criteria provided, single submitter. Criteria: ACMG Guidelines, 2015. Collection method: clinical testing. Allele origin: germline. Affected: yes. Observed: 1 homozygote.
Comment: The variant is observed at an extremely low frequency in the gnomAD v2.1.1 dataset (total allele frequency: <0.001%). Stop-gained (nonsense): predicted to result in a loss or disruption of normal protein function through nonsense-mediated decay (NMD) or protein truncation. Multiple pathogenic variants are reported downstream of the variant. The variant has been reported to be associated with SDCCAG8 related disorder (ClinVar ID: VCV000635017). Therefore, this variant is classified as pathogenic according to the recommendation of ACMG/AMP guideline.

Broad Center for Mendelian Genomics, Broad Institute of MIT and Harvard
Classification: Likely pathogenic for Bardet-Biedl syndrome 16. Last evaluated: 2018-06-15. Review status: criteria provided, single submitter. Criteria: ACMG Guidelines, 2015. Collection method: research. Allele origin: germline. Inheritance: Autosomal recessive inheritance. Affected: yes.
Comment: This variant has been identified in <0.01% (1/17226) of East Asian chromosomes by the Genome Aggregation Database (gnomAD; rs770084716). Although this variant has been seen in the general population, its frequency is low enough to be consistent with a recessive carrier frequency. Loss of function of the SDCCAG8 gene is an established disease mechanism in autosomal recessive Bardet-Biedl Syndrome 16, and this is a loss of function variant. In summary, although additional studies are required to fully establish its pathogenicity, this variant is likely pathogenic.